The following is an entry in ClinVar:

NM_001374504.1(TMPRSS6):c.406G>A (p.Glu136Lys)

Gene: TMPRSS6 (transmembrane serine protease 6; minus strand). Cytogenetic location: 22q12.3.
Variant type: single nucleotide variant.
Coding change: c.406G>A on transcript NM_001374504.1 (MANE Select); coding-DNA position 406, G replaced by A.
Protein change: p.Glu136Lys; replaces glutamic acid 136 with lysine.
Molecular consequence: missense variant.
Genome position (GRCh38, 1-based): chr22:37,096,089, C>T on the plus strand (G>A on the coding strand, the complement: TMPRSS6 is on the minus strand). VCF-style: chr22-37096089-C-T. GRCh37 (hg19) VCF-style: chr22-37492129-C-T.
Other names: c.406G>A, p.Glu136Lys (NM_001289000.2, NM_001289001.2, NM_153609.4); c.433G>A (NM_153609.3); short protein forms E136K.
Identifiers: ClinVar variation 899546 (VCV000899546.11), dbSNP rs116310349, ClinGen allele CA10216083.

ClinVar aggregate classification (germline): Conflicting classifications of pathogenicity. Review status: criteria provided, conflicting classifications (1 of 4 stars). 5 submissions from 5 submitters: Uncertain significance (2); Benign (1); Likely benign (2). Last evaluated 2025-12-27.

Conditions:
TMPRSS6-related disorder. Also called: TMPRSS6-related condition.
Microcytic anemia. Identifiers: MedGen C5194182, MONDO:0001245, HP:0001935. Disease mechanism: loss of function.
Inborn genetic diseases. Identifiers: MedGen C0950123, MeSH D030342.

Allele frequency attached by ClinVar (database versions not stated): gnomAD exomes 0.00043 and 0.00019; ExAC 0.00051; ESP Exome Variant Server 0.00192; gnomAD 0.00213 and 0.00230; TOPMed 0.00233; 1000 Genomes Project 0.00280; 1000 Genomes Project 30x 0.00328.
gnomAD v4.1: 612 of 1,614,114 alleles (0.038%); highest among the groups gnomAD compares: African/African-American, 0.76%; 4 homozygotes.

Submissions (5):

Labcorp Genetics (formerly Invitae), Labcorp
Classification: Benign. Last evaluated: 2025-12-27. Review status: criteria provided, single submitter. Criteria: Invitae Variant Classification Sherloc (09022015). Collection method: clinical testing. Allele origin: germline.

Ambry Genetics
Classification: Uncertain significance for Inborn genetic diseases. Last evaluated: 2025-08-02. Review status: criteria provided, single submitter. Criteria: Ambry Variant Classification Scheme 2023. Collection method: clinical testing. Allele origin: germline.

PreventionGenetics, part of Exact Sciences
Classification: Uncertain significance for TMPRSS6-related condition. Last evaluated: 2023-05-26. Review status: criteria provided, single submitter. Criteria: ACMG Guidelines, 2015. Collection method: clinical testing. Allele origin: germline.
Comment: The TMPRSS6 c.433G>A variant is predicted to result in the amino acid substitution p.Glu145Lys. To our knowledge, this variant has not been reported in the literature. This variant is reported in 0.70% of alleles in individuals of African descent in gnomAD. Although we suspect that this variant may be benign, at this time, the clinical significance of this variant is uncertain due to the absence of conclusive functional and genetic evidence.

Illumina Laboratory Services, Illumina
Classification: Likely benign for Iron-refractory iron deficiency anemia. Last evaluated: 2018-01-13. Review status: criteria provided, single submitter. Criteria: ICSL Variant Classification Criteria 13 December 2019. Collection method: clinical testing. Allele origin: germline.
Comment: This variant was observed in the ICSL laboratory as part of a predisposition screen in an ostensibly healthy population. It had not been previously curated by ICSL or reported in the Human Gene Mutation Database (HGMD: prior to June 1st, 2018), and was therefore a candidate for classification through an automated scoring system. Utilizing variant allele frequency, disease prevalence and penetrance estimates, and inheritance mode, an automated score was calculated to assess if this variant is too frequent to cause the disease. Based on the score and internal cut-off values, a variant classified as likely benign is not then subjected to further curation. The score for this variant resulted in a classification of likely benign for this disease.

Breakthrough Genomics
Classification: Likely benign. Review status: criteria provided, single submitter. Criteria: ACMG Guidelines, 2015. Collection method: not provided. Allele origin: germline. Inheritance: Autosomal recessive inheritance. Affected: yes.